The following is an entry in ClinVar:

ClinVar aggregate classification (germline): Conflicting classifications of pathogenicity. Review status: criteria provided, conflicting classifications (1 of 4 stars). 7 submissions from 7 submitters: Uncertain significance (5); Likely benign (2). Last evaluated 2026-01-27.

Conditions:
Cardiovascular phenotype. Identifiers: MedGen CN230736.
Cardiomyopathy (CMYO). Also called: Cardiomyopathies. Identifiers: Orphanet 167848, MedGen C0878544, MONDO:0004994, HP:0001638. Inheritance: Various modes of inheritance.
Catecholaminergic polymorphic ventricular tachycardia 2. Also called: VENTRICULAR TACHYCARDIA, STRESS-INDUCED POLYMORPHIC 2; CASQ2-Related Catecholaminergic Polymorphic Ventricular Tachycardia. Identifiers: Orphanet 3286, MedGen C2677794, MONDO:0012762, OMIM 611938.
Catecholaminergic polymorphic ventricular tachycardia 1. Also called: VENTRICULAR TACHYCARDIA, CATECHOLAMINERGIC POLYMORPHIC, 1, WITH OR WITHOUT ATRIAL DYSFUNCTION AND/OR DILATED CARDIOMYOPATHY; VENTRICULAR TACHYCARDIA, STRESS-INDUCED POLYMORPHIC 1; RYR2-Related Catecholaminergic Polymorphic Ventricular Tachycardia. Identifiers: Orphanet 3286, MedGen C1631597, MONDO:0011484, OMIM 604772.

Submissions (7):

Labcorp Genetics (formerly Invitae), Labcorp
Classification: Uncertain significance for Catecholaminergic polymorphic ventricular tachycardia 1. Last evaluated: 2026-01-27. Review status: criteria provided, single submitter. Criteria: Invitae Variant Classification Sherloc (09022015). Collection method: clinical testing. Allele origin: germline.
Comment: This variant, c.1147_1149del, results in the deletion of 1 amino acid(s) of the CASQ2 protein (p.Asp383del), but otherwise preserves the integrity of the reading frame. The frequency data for this variant in the population databases is considered unreliable, as metrics indicate poor data quality at this position in the gnomAD database. This variant has not been reported in the literature in individuals affected with CASQ2-related conditions. Experimental studies and prediction algorithms are not available or were not evaluated, and the functional significance of this variant is currently unknown. In summary, the available evidence is currently insufficient to determine the role of this variant in disease. Therefore, it has been classified as a Variant of Uncertain Significance.

Blueprint Genetics
Classification: Uncertain significance. Last evaluated: 2024-11-11. Review status: criteria provided, single submitter. Criteria: ACMG Guidelines, 2015. Collection method: clinical testing. Allele origin: germline.

New York Genome Center
Classification: Uncertain significance for Catecholaminergic polymorphic ventricular tachycardia 2. Last evaluated: 2023-05-19. Review status: criteria provided, single submitter. Criteria: NYGC Assertion Criteria 2020. Collection method: clinical testing. Allele origin: germline. Observed: 1 heterozygote.

Laboratory for Molecular Medicine, Mass General Brigham Personalized Medicine
Classification: Likely benign. Last evaluated: 2021-01-26. Review status: criteria provided, single submitter. Criteria: LMM Criteria. Collection method: clinical testing. Allele origin: germline. Observed: 2 variant alleles.
Comment: Thep.Asp378[5] variant in CASQ2 is classified as likely benign because it has been identified in 0.05% (16/30482) of South Asian chromosomes by gnomAD. This variant is a deletion of one amino acid at position 383 which occurs within a repetitive region of 6 amino acids and is not predicted to alter the protein reading-frame. ACMG/AMP Criteria applied: BS1, BP3.

Ambry Genetics
Classification: Likely benign for Cardiovascular phenotype. Last evaluated: 2018-09-28. Review status: criteria provided, single submitter. Criteria: Ambry Variant Classification Scheme 2023. Collection method: clinical testing. Allele origin: germline.

ARUP Laboratories, Molecular Genetics and Genomics, ARUP Laboratories
Classification: Uncertain significance. Last evaluated: 2016-09-04. Review status: criteria provided, single submitter. Criteria: ARUP Molecular Germline Variant Investigation Process. Collection method: clinical testing. Allele origin: germline.

CHEO Genetics Diagnostic Laboratory, Children's Hospital of Eastern Ontario
Classification: Uncertain significance for Cardiomyopathy. Last evaluated: 2016-02-23. Review status: criteria provided, single submitter. Criteria: ACMG Guidelines, 2015. Collection method: clinical testing. Allele origin: germline. Study: Canadian Open Genetics Repository.

Literature cited by the submitters: PubMed 23396983 (cited by Ambry Genetics).

NM_001232.4(CASQ2):c.1132GAT[5] (p.Asp383del)

Gene: CASQ2 (calsequestrin 2; minus strand). Cytogenetic location: 1p13.1.
Variant type: Microsatellite.
Coding change: c.1132GAT[5] on transcript NM_001232.4 (MANE Select); five copies in a row of the 3-base unit GAT starting at c.1132; the reference has six copies in a row; one copy, 3 bases deleted.
Protein change: p.Asp383del; deletes aspartic acid 383.
Molecular consequence: inframe deletion.
Genome position (GRCh38, 1-based): chr1:115,701,292-115,701,294, ATC deleted on the plus strand (GAT on the coding strand, the reverse complement: CASQ2 is on the minus strand); deleting any 3 consecutive bases within chr1:115,701,292-115,701,309 gives the same sequence; the position shown is the placement nearest the transcript's 3' end. VCF-style (leftmost placement, unchanged base first): chr1-115701291-TATC-T. GRCh37 (hg19) VCF-style: chr1-116243912-TATC-T.
Other names: c.1147_1149delGAT (NM_001232.3); short protein forms D383del.
Identifiers: ClinVar variation 44155 (VCV000044155.27), dbSNP rs72554069, ClinGen allele CA133690.
Genomic context (GRCh38, chr1:115,701,291, plus strand): 5'-TGGAGTTGGGCTATTCATCATCATCGTCATCACTGTCATCATTATCCTCTTCATCAGAAT[TATC>T]ATCATCATCATCATCTTCATCATCATCTTCAGTGTTTATCTTTCCAGAAAGCACATCCTC-3'